The following is an entry in ClinVar:

NM_000492.4(CFTR):c.4040G>T (p.Ser1347Ile)

Gene: CFTR (CF transmembrane conductance regulator; plus strand). Cytogenetic location: 7q31.2.
Variant type: single nucleotide variant.
Coding change: c.4040G>T on transcript NM_000492.4 (MANE Select); coding-DNA position 4040, G replaced by T.
Protein change: p.Ser1347Ile; replaces serine 1347 with isoleucine.
Molecular consequence: missense variant.
Genome position (GRCh38, 1-based): chr7:117,664,764, G>T. VCF-style: chr7-117664764-G-T. GRCh37 (hg19) VCF-style: chr7-117304818-G-T.
Other names: short protein forms S1347I.
Identifiers: ClinVar variation 4280113 (VCV004280113.1).

ClinVar aggregate classification (germline): Uncertain significance (1 of 4 stars; one submission).

Conditions:
Cystic fibrosis (CF). Also called: MUCOVISCIDOSIS. Identifiers: Orphanet 586, MedGen C0010674, MONDO:0009061, OMIM 219700. Disease mechanism: loss of function.

Submission:

Johns Hopkins Genomics, Johns Hopkins University
Classification: Uncertain significance for Cystic fibrosis. Last evaluated: 2024-12-17. Review status: criteria provided, single submitter. Criteria: ACMG Guidelines, 2015. Collection method: clinical testing. Allele origin: germline.
Comment: This CFTR missense variant is absent from a large population dataset and has not been reported in ClinVar nor the literature, to our knowledge. Three bioinformatic tools queried predict that this substitution would be damaging and the serine residue at this position is evolutionarily conserved across most of the species assessed. We consider the clinical significance of CFTR c.4040G>T to be uncertain at this time.

Literature cited by the submitters: PubMed 16989640.